The following is an entry in ClinVar:

NM_005732.4(RAD50):c.460G>A (p.Val154Ile)

Gene: RAD50 (RAD50 double strand break repair protein; plus strand). Cytogenetic location: 5q31.1.
Variant type: single nucleotide variant.
Coding change: c.460G>A on transcript NM_005732.4 (MANE Select); coding-DNA position 460, G replaced by A.
Protein change: p.Val154Ile; replaces valine 154 with isoleucine.
Molecular consequence: missense variant.
Genome position (GRCh38, 1-based): chr5:132,579,411, G>A. VCF-style: chr5-132579411-G-A. GRCh37 (hg19) VCF-style: chr5-131915103-G-A.
Other names: short protein forms V154I.
Identifiers: ClinVar variation 3312325 (VCV003312325.1).
Genomic context (GRCh38, chr5:132,579,411, plus strand): 5'-GCAGAAATTGACCGAGAAATGATCAGTTCTCTTGGGGTTTCCAAGGCTGTGCTAAATAAT[G>A]TCATTTTCTGTCATCAAGAAGATTCTAATTGGCCTTTAAGTGAAGGAAAGGCTTTGAAGC-3'
Protein context (NP_005723.2, residues 144-164): LGVSKAVLNN[Val154Ile]IFCHQEDSNW

ClinVar aggregate classification (germline): Uncertain significance (1 of 4 stars; one submission).

Conditions:
Hereditary cancer-predisposing syndrome. Also called: Neoplastic Syndromes, Hereditary; Tumor predisposition; Hereditary neoplastic syndrome; Hereditary Cancer Syndrome. Identifiers: Orphanet 140162, MedGen C0027672, MeSH D009386, MONDO:0015356.

gnomAD v4.1: 1 of 1,613,686 alleles (0.000062%); highest among the groups gnomAD compares: Non-Finnish European, 0.000085%; no homozygotes.

Submission:

Ambry Genetics
Classification: Uncertain significance for Hereditary cancer-predisposing syndrome. Last evaluated: 2024-05-08. Review status: criteria provided, single submitter. Criteria: Ambry Variant Classification Scheme 2023. Collection method: clinical testing. Allele origin: germline.
Comment: The p.V154I variant (also known as c.460G>A), located in coding exon 4 of the RAD50 gene, results from a G to A substitution at nucleotide position 460. The valine at codon 154 is replaced by isoleucine, an amino acid with highly similar properties. This amino acid position is conserved. In addition, the in silico prediction for this alteration is inconclusive. Based on the available evidence, the clinical significance of this variant remains unclear.